The following is an entry in ClinVar:

NM_000260.4(MYO7A):c.6122T>C (p.Ile2041Thr)

Gene: MYO7A (myosin VIIA; plus strand). Cytogenetic location: 11q13.5.
Variant type: single nucleotide variant.
Coding change: c.6122T>C on transcript NM_000260.4 (MANE Select); coding-DNA position 6122, T replaced by C.
Protein change: p.Ile2041Thr; replaces isoleucine 2041 with threonine.
Molecular consequence: missense variant.
Genome position (GRCh38, 1-based): chr11:77,211,222, T>C. VCF-style: chr11-77211222-T-C. GRCh37 (hg19) VCF-style: chr11-76922267-T-C.
Other names: c.6008T>C, p.Ile2003Thr (NM_001127180.2); c.5975T>C, p.Ile1992Thr (NM_001369365.1); short protein forms I1992T, I2003T, I2041T.
Identifiers: ClinVar variation 1044777 (VCV001044777.11), dbSNP rs1289796183, ClinGen allele CA381935818.

ClinVar aggregate classification (germline): Uncertain significance. Review status: criteria provided, multiple submitters, no conflicts (2 of 4 stars). 3 submissions from 3 submitters: Uncertain significance (2). 1 of the submissions does not count toward it. Last evaluated 2022-12-16.

Conditions:
Usher syndrome type 1B (USH1B). Also called: Usher syndrome type IB. Identifiers: MedGen C1848638, MONDO:0700087.

Allele frequency attached by ClinVar (database versions not stated): gnomAD 0.00001; gnomAD exomes 0.00001; TOPMed 0.00001.

Submissions (3):

Blueprint Genetics
Classification: Uncertain significance. Last evaluated: 2022-12-16. Review status: criteria provided, single submitter. Criteria: ACMG Guidelines, 2015. Collection method: clinical testing. Allele origin: germline.

Labcorp Genetics (formerly Invitae), Labcorp
Classification: Uncertain significance. Last evaluated: 2022-07-19. Review status: criteria provided, single submitter. Criteria: Invitae Variant Classification Sherloc (09022015). Collection method: clinical testing. Allele origin: germline.
Comment: Advanced modeling of protein sequence and biophysical properties (such as structural, functional, and spatial information, amino acid conservation, physicochemical variation, residue mobility, and thermodynamic stability) performed at Invitae indicates that this missense variant is expected to disrupt MYO7A protein function. ClinVar contains an entry for this variant (Variation ID: 1044777). This variant has not been reported in the literature in individuals affected with MYO7A-related conditions. This variant is not present in population databases (gnomAD no frequency). This sequence change replaces isoleucine, which is neutral and non-polar, with threonine, which is neutral and polar, at codon 2041 of the MYO7A protein (p.Ile2041Thr). In summary, the available evidence is currently insufficient to determine the role of this variant in disease. Therefore, it has been classified as a Variant of Uncertain Significance.

Natera, Inc.
Classification: Uncertain significance for Usher syndrome type 1B. Last evaluated: 2021-04-19. Review status: no assertion criteria provided. Collection method: clinical testing. Allele origin: germline. Not counted in ClinVar's aggregate classification.